The following is an entry in ClinVar:

NM_004168.4(SDHA):c.1724C>T (p.Ala575Val)

Gene: SDHA (succinate dehydrogenase complex flavoprotein subunit A; plus strand). Cytogenetic location: 5p15.33.
Variant type: single nucleotide variant.
Coding change: c.1724C>T on transcript NM_004168.4 (MANE Select); coding-DNA position 1724, C replaced by T.
Protein change: p.Ala575Val; replaces alanine 575 with valine.
Molecular consequence: missense variant. On other transcripts: intron variant (1).
Genome position (GRCh38, 1-based): chr5:251,398, C>T. VCF-style: chr5-251398-C-T. GRCh37 (hg19) VCF-style: chr5-251513-C-T.
Other names: c.1580C>T, p.Ala527Val (NM_001294332.2); c.1552-2995C>T (NM_001330758.2); short protein forms A575V, A527V.
Identifiers: ClinVar variation 412376 (VCV000412376.34), dbSNP rs750327309, ClinGen allele CA3173339.

ClinVar aggregate classification (germline): Uncertain significance. Review status: criteria provided, multiple submitters, no conflicts (2 of 4 stars). 10 submissions from 10 submitters: Uncertain significance (9). 1 of the submissions does not count toward it. Last evaluated 2026-01-21.

Conditions:
SDHA-related disorder. Also called: SDHA-related disorders; SDHA-related condition.
Mitochondrial complex II deficiency, nuclear type 1. Also called: SUCCINATE CoQ REDUCTASE DEFICIENCY. Identifiers: Orphanet 3208, MedGen C5700310, MONDO:0100294, OMIM 252011.
Pheochromocytoma/paraganglioma syndrome 5. Also called: Paragangliomas 5; SDHA-Related Hereditary Paraganglioma-Pheochromocytoma Syndrome. Identifiers: Orphanet 29072, MedGen C3279992, MONDO:0013602, OMIM 614165.
Hereditary cancer-predisposing syndrome. Also called: Neoplastic Syndromes, Hereditary; Tumor predisposition; Hereditary Cancer Syndrome; Hereditary neoplastic syndrome. Identifiers: Orphanet 140162, MedGen C0027672, MeSH D009386, MONDO:0015356.
Dilated cardiomyopathy 1GG (CMD1GG). Identifiers: Orphanet 154, MedGen C3150898, MONDO:0013339, OMIM 613642.

Allele frequency attached by ClinVar (database versions not stated): ExAC 0.00003; gnomAD 0.00003 and 0.00004; gnomAD exomes 0.00004; TOPMed 0.00004.
gnomAD v4.1: 57 of 1,613,748 alleles (0.0035%); highest among the groups gnomAD compares: Non-Finnish European, 0.0038%; no homozygotes.

Submissions (10):

Labcorp Genetics (formerly Invitae), Labcorp
Classification: Uncertain significance for Pheochromocytoma/paraganglioma syndrome 5; Mitochondrial complex II deficiency, nuclear type 1. Last evaluated: 2026-01-21. Review status: criteria provided, single submitter. Criteria: Invitae Variant Classification Sherloc (09022015). Collection method: clinical testing. Allele origin: germline.
Comment: This sequence change replaces alanine, which is neutral and non-polar, with valine, which is neutral and non-polar, at codon 575 of the SDHA protein (p.Ala575Val). This variant is present in population databases (rs750327309, gnomAD 0.01%). This variant has not been reported in the literature in individuals affected with SDHA-related conditions. ClinVar contains an entry for this variant (Variation ID: 412376). Invitae Evidence Modeling of protein sequence and biophysical properties (such as structural, functional, and spatial information, amino acid conservation, physicochemical variation, residue mobility, and thermodynamic stability) has been performed for this missense variant. However, the output from this modeling did not meet the statistical confidence thresholds required to predict the impact of this variant on SDHA protein function. In summary, the available evidence is currently insufficient to determine the role of this variant in disease. Therefore, it has been classified as a Variant of Uncertain Significance.

PreventionGenetics, part of Exact Sciences
Classification: Uncertain significance for SDHA-related condition. Last evaluated: 2025-12-30. Review status: criteria provided, single submitter. Criteria: ACMG Guidelines, 2015. Collection method: clinical testing. Allele origin: germline.
Comment: The SDHA c.1724C>T variant is predicted to result in the amino acid substitution p.Ala575Val. This variant has been reported in the literature in an individual with multiple cancer diagnoses including colon, ovarian, endometrial and CLL who had pathogenic variants in CHEK2 and HOXB13 (Wallander et al. 2021. PubMed ID: 34711244). This variant is reported in 0.014% of alleles in individuals of European (Finnish) descent in gnomAD. This variant is interpreted as uncertain in ClinVar (Variation ID: 412376). At this time, the clinical significance of this variant is uncertain due to the absence of conclusive functional and genetic evidence.

GeneDx
Classification: Uncertain significance. Last evaluated: 2025-08-12. Review status: criteria provided, single submitter. Criteria: GeneDx Variant Classification Process June 2021. Collection method: clinical testing. Allele origin: germline. Affected: yes.
Comment: Observed in a patient with multiple primary tumors who also harbored pathogenic variants in CHEK2 and HOXB13 (PMID: 34711244); Not observed at significant frequency in large population cohorts (gnomAD); In silico analysis supports that this missense variant has a deleterious effect on protein structure/function; This variant is associated with the following publications: (PMID: 34711244)

Center for Genomic Medicine, Rigshospitalet, Copenhagen University Hospital
Classification: Uncertain significance. Last evaluated: 2025-03-04. Review status: criteria provided, single submitter. Criteria: ACMG Guidelines, 2015. Collection method: clinical testing. Allele origin: germline.

Ambry Genetics
Classification: Uncertain significance for Hereditary cancer-predisposing syndrome. Last evaluated: 2024-08-13. Review status: criteria provided, single submitter. Criteria: Ambry Variant Classification Scheme 2023. Collection method: clinical testing. Allele origin: germline.
Comment: The p.A575V variant (also known as c.1724C>T), located in coding exon 13 of the SDHA gene, results from a C to T substitution at nucleotide position 1724. The alanine at codon 575 is replaced by valine, an amino acid with similar properties. This amino acid position is highly conserved in available vertebrate species. In addition, this alteration is predicted to be deleterious by in silico analysis. Based on the available evidence, the clinical significance of this variant remains unclear.

Baylor Genetics
Classification: Uncertain significance for Dilated cardiomyopathy 1GG. Last evaluated: 2024-03-27. Review status: criteria provided, single submitter. Criteria: ACMG Guidelines, 2015. Collection method: clinical testing. Allele origin: unknown.

Quest Diagnostics Nichols Institute San Juan Capistrano
Classification: Uncertain significance. Last evaluated: 2023-12-12. Review status: criteria provided, single submitter. Criteria: Quest Diagnostics criteria. Collection method: clinical testing. Allele origin: unknown.
Comment: The SDHA c.1724C>T (p.Ala575Val) variant has been reported in the published literature in an individual with multiple primary tumors that carried other pathogenic variants (PMID: 34711244 (2018)). The frequency of this variant in the general population, 0.00014 (3/21642 chromosomes (Genome Aggregation Database)), is uninformative in the assessment of its pathogenicity. Analysis of this variant using bioinformatics tools for the prediction of the effect of amino acid changes on protein structure and function yielded predictions that this variant is damaging. Based on the available information, we are unable to determine the clinical significance of this variant.

Myriad Genetics, Inc.
Classification: Uncertain significance for Pheochromocytoma/paraganglioma syndrome 5. Last evaluated: 2023-04-20. Review status: criteria provided, single submitter. Criteria: Myriad Autosomal Dominant, Autosomal Recessive and X-Linked Classification Criteria (2023). Collection method: clinical testing. Allele origin: unknown.
Comment: This variant is classified as a variant of uncertain significance as there is insufficient evidence to determine its impact on protein function and/or cancer risk.

Sema4
Classification: Uncertain significance for Hereditary cancer-predisposing syndrome. Last evaluated: 2021-11-25. Review status: criteria provided, single submitter. Criteria: Sema4 Curation Guidelines. Collection method: curation. Allele origin: germline.
Comment: The SDHA c.1724C>T (p.A575V) variant has been reported in one individual with five different primary tumors (PMID: 34711244). However, this patient also has other risk alleles detected in CHEK2 and HOXB13 genes. It was observed in 3/21642 chromosomes of the European Finnish subpopulation in the large and broad cohorts of the Genome Aggregation Database (PMID: 32461654). The variant has been reported in ClinVar (Variation ID 412376). In silico tools suggest the impact of the variant on protein function is deleterious, though these predictions have not been confirmed by functional studies. The evidence is insufficient to meet ACMG/AMP criteria for classifying the variant as benign or pathogenic. Thus, the clinical significance of this variant is currently uncertain.

Counsyl
Classification: Uncertain significance for Pheochromocytoma/paraganglioma syndrome 5. Last evaluated: 2018-05-08. Review status: no assertion criteria provided. Collection method: clinical testing. Allele origin: unknown. Not counted in ClinVar's aggregate classification.

Literature cited by the submitters: PubMed 34711244 (cited by 3 submitters).